The following is an entry in ClinVar:

NM_000222.3(KIT):c.2440G>A (p.Ala814Thr)

Gene: KIT (KIT proto-oncogene, receptor tyrosine kinase; plus strand). Cytogenetic location: 4q12.
Variant type: single nucleotide variant.
Coding change: c.2440G>A on transcript NM_000222.3 (MANE Select); coding-DNA position 2440, G replaced by A.
Protein change: p.Ala814Thr; replaces alanine 814 with threonine.
Molecular consequence: missense variant.
Genome position (GRCh38, 1-based): chr4:54,733,148, G>A. VCF-style: chr4-54733148-G-A. GRCh37 (hg19) VCF-style: chr4-55599314-G-A.
Other names: c.2428G>A, p.Ala810Thr (NM_001093772.2, NM_001385292.1); c.2443G>A, p.Ala815Thr (NM_001385284.1); c.2437G>A, p.Ala813Thr (NM_001385285.1); c.2425G>A, p.Ala809Thr (NM_001385286.1); c.2431G>A, p.Ala811Thr (NM_001385288.1); c.2440G>A, p.Ala814Thr (NM_001385290.1); short protein forms A809T, A810T, A811T, A813T, A814T, A815T.
Identifiers: ClinVar variation 4858948 (VCV004858948.2).
Genomic context (GRCh38, chr4:54,733,148, plus strand): 5'-GCAGCCAGAAATATCCTCCTTACTCATGGTCGGATCACAAAGATTTGTGATTTTGGTCTA[G>A]CCAGAGACATCAAGAATGATTCTAATTATGTGGTTAAAGGAAACGTGAGTACCCATTCTC-3'
Protein context (NP_000213.1, residues 804-824): RITKICDFGL[Ala814Thr]RDIKNDSNYV

ClinVar aggregate classification (germline): Likely pathogenic (1 of 4 stars; one submission).

Conditions:
Hereditary cancer-predisposing syndrome. Also called: Neoplastic Syndromes, Hereditary; Tumor predisposition; Hereditary Cancer Syndrome; Hereditary neoplastic syndrome. Identifiers: Orphanet 140162, MedGen C0027672, MeSH D009386, MONDO:0015356.

Submission:

Ambry Genetics
Classification: Likely pathogenic for Hereditary cancer-predisposing syndrome. Last evaluated: 2026-07-24. Review status: criteria provided, single submitter. Criteria: Ambry Variant Classification Scheme 2023. Collection method: clinical testing. Allele origin: germline.
Comment: The c.2440G>A (p.A814T) alteration is located in exon 17 (coding exon 17) of the KIT gene. This alteration results from a G to A substitution at nucleotide position 2440, causing the alanine (A) at amino acid position 814 to be replaced by a threonine (T). for KIT-related piebaldism; however, it is unlikely to be causative of KIT-related gastrointestinal stromal tumor predisposition. Loss-of-function variants in KIT are known to be associated with piebaldism, which is inconsistent with the mechanism of disease for KIT-related tumors. This variant was not reported in population-based cohorts in the Genome Aggregation Database (gnomAD). This amino acid position is highly conserved in available vertebrate species. This missense variant is located in a region that has a low rate of benign missense variation (Lek, 2016; Firth, 2009). This alteration is predicted to be deleterious by in silico analysis. Based on the available evidence, this alteration is classified as likely pathogenic.